The following is an entry in ClinVar:

NM_001082971.2(DDC):c.178G>A (p.Val60Ile)

Gene: DDC (dopa decarboxylase; minus strand). Cytogenetic location: 7p12.1.
Variant type: single nucleotide variant.
Coding change: c.178G>A on transcript NM_001082971.2 (MANE Select); coding-DNA position 178, G replaced by A.
Protein change: p.Val60Ile; replaces valine 60 with isoleucine.
Molecular consequence: missense variant.
Genome position (GRCh38, 1-based): chr7:50,543,908, C>T on the plus strand (G>A on the coding strand, the complement: DDC is on the minus strand). VCF-style: chr7-50543908-C-T. GRCh37 (hg19) VCF-style: chr7-50611606-C-T.
Other names: c.178G>A, p.Val60Ile (NM_000790.4, NM_001242886.2, NM_001242887.2 and 3 more transcripts); short protein forms V60I.
Identifiers: ClinVar variation 575126 (VCV000575126.8), dbSNP rs142925706, ClinGen allele CA4262477.
Genomic context (GRCh38, chr7:50,543,908, plus strand): 5'-TAGCCCTCCTGTTTTCTGACCTTGGATACACACTTACCCCAGGCATGATTATCTTCTCAA[C>T]GTCGTTGATGATGTCCTCAAACGTGTCTGGCTCCTGAGGGGCAGCGGCAGGGATCAGCGG-3'
Protein context (NP_001076440.2, residues 50-70): PDTFEDIIND[Val60Ile]EKIIMPGVTH

ClinVar aggregate classification (germline): Conflicting classifications of pathogenicity. Review status: criteria provided, conflicting classifications (1 of 4 stars). 2 submissions from 2 submitters: Uncertain significance (1); Likely benign (1). Last evaluated 2024-09-23.

Conditions:
Deficiency of aromatic-L-amino-acid decarboxylase. Also called: DDC DEFICIENCY; DOPA DECARBOXYLASE DEFICIENCY; Aromatic L-Amino Acid Decarboxylase Deficiency; AADC DEFICIENCY; Aromatic amino acid decarboxylase deficiency. Identifiers: Orphanet 35708, MedGen C1291564, MONDO:0012084, OMIM 608643.

Allele frequency attached by ClinVar (database versions not stated): TOPMed 0.00003; gnomAD 0.00004 and 0.00005; gnomAD exomes 0.00006 and 0.00007; ExAC 0.00007; ESP Exome Variant Server 0.00008.
gnomAD v4.1: 100 of 1,614,146 alleles (0.0062%); highest among the groups gnomAD compares: Middle Eastern, 0.033%; no homozygotes.

Submissions (2):

Labcorp Genetics (formerly Invitae), Labcorp
Classification: Uncertain significance for Deficiency of aromatic-L-amino-acid decarboxylase. Last evaluated: 2024-09-23. Review status: criteria provided, single submitter. Criteria: Invitae Variant Classification Sherloc (09022015). Collection method: clinical testing. Allele origin: germline.
Comment: This sequence change replaces valine, which is neutral and non-polar, with isoleucine, which is neutral and non-polar, at codon 60 of the DDC protein (p.Val60Ile). This variant is present in population databases (rs142925706, gnomAD 0.01%). This variant has not been reported in the literature in individuals affected with DDC-related conditions. ClinVar contains an entry for this variant (Variation ID: 575126). Invitae Evidence Modeling of protein sequence and biophysical properties (such as structural, functional, and spatial information, amino acid conservation, physicochemical variation, residue mobility, and thermodynamic stability) indicates that this missense variant is not expected to disrupt DDC protein function with a negative predictive value of 80%. This variant disrupts the p.Val60 amino acid residue in DDC. Other variant(s) that disrupt this residue have been determined to be pathogenic (PMID: 28856607, 31953134, 31975548). This suggests that this residue is clinically significant, and that variants that disrupt this residue are likely to be disease-causing. In summary, the available evidence is currently insufficient to determine the role of this variant in disease. Therefore, it has been classified as a Variant of Uncertain Significance.

Blueprint Genetics
Classification: Likely benign. Last evaluated: 2023-11-15. Review status: criteria provided, single submitter. Criteria: ACMG Guidelines, 2015. Collection method: clinical testing. Allele origin: germline.

Literature cited by the submitters: PubMed 28856607 (cited by Labcorp Genetics (formerly Invitae), Labcorp); PubMed 31953134 (cited by Labcorp Genetics (formerly Invitae), Labcorp); PubMed 31975548 (cited by Labcorp Genetics (formerly Invitae), Labcorp).